The following is an entry in ClinVar:

NM_000393.5(COL5A2):c.252C>A (p.Asp84Glu)

Gene: COL5A2 (collagen type V alpha 2 chain; minus strand). Cytogenetic location: 2q32.2.
Variant type: single nucleotide variant.
Coding change: c.252C>A on transcript NM_000393.5 (MANE Select); coding-DNA position 252, C replaced by A.
Protein change: p.Asp84Glu; replaces aspartic acid 84 with glutamic acid.
Molecular consequence: missense variant.
Genome position (GRCh38, 1-based): chr2:189,110,295, G>T on the plus strand (C>A on the coding strand, the complement: COL5A2 is on the minus strand). VCF-style: chr2-189110295-G-T. GRCh37 (hg19) VCF-style: chr2-189975021-G-T.
Other names: short protein forms D84E.
Identifiers: ClinVar variation 4744312 (VCV004744312.1).

ClinVar aggregate classification (germline): Uncertain significance (1 of 4 stars; one submission).

Conditions:
Ehlers-Danlos syndrome, classic type, 1 (EDSCL1). Also called: EHLERS-DANLOS SYNDROME, GRAVIS TYPE; EHLERS-DANLOS SYNDROME, SEVERE CLASSIC TYPE; Ehlers-Danlos syndrome, type 1; Ehlers-Danlos Syndrome, Classic Type, COL5A1-Related; EDS I. Identifiers: MedGen C0268335, MONDO:0019567, OMIM 130000.

Submission:

Labcorp Genetics (formerly Invitae), Labcorp
Classification: Uncertain significance for Ehlers-Danlos syndrome, classic type, 1. Last evaluated: 2025-10-22. Review status: criteria provided, single submitter. Criteria: Invitae Variant Classification Sherloc (09022015). Collection method: clinical testing. Allele origin: germline.
Comment: This sequence change replaces aspartic acid, which is acidic and polar, with glutamic acid, which is acidic and polar, at codon 84 of the COL5A2 protein (p.Asp84Glu). This variant is not present in population databases (gnomAD no frequency). This variant has not been reported in the literature in individuals affected with COL5A2-related conditions. Invitae Evidence Modeling of protein sequence and biophysical properties (such as structural, functional, and spatial information, amino acid conservation, physicochemical variation, residue mobility, and thermodynamic stability) indicates that this missense variant is not expected to disrupt COL5A2 protein function with a negative predictive value of 95%. In summary, the available evidence is currently insufficient to determine the role of this variant in disease. Therefore, it has been classified as a Variant of Uncertain Significance.